The following is an entry in ClinVar:

NM_000384.3(APOB):c.7593A>T (p.Glu2531Asp)

Gene: APOB (apolipoprotein B; minus strand). Cytogenetic location: 2p24.1.
Variant type: single nucleotide variant.
Coding change: c.7593A>T on transcript NM_000384.3 (MANE Select); coding-DNA position 7593, A replaced by T.
Protein change: p.Glu2531Asp; replaces glutamic acid 2531 with aspartic acid.
Molecular consequence: missense variant.
Genome position (GRCh38, 1-based): chr2:21,009,275, T>A on the plus strand (A>T on the coding strand, the complement: APOB is on the minus strand). VCF-style: chr2-21009275-T-A. GRCh37 (hg19) VCF-style: chr2-21232147-T-A.
Other names: short protein forms E2531D.
Identifiers: ClinVar variation 2948824 (VCV002948824.3), dbSNP rs2465368550, ClinGen allele CA345996815.

ClinVar aggregate classification (germline): Uncertain significance (1 of 4 stars; one submission).

Conditions:
Familial hypobetalipoproteinemia 1. Also called: APOB-Related Familial Hypobetalipoproteinemia; Hypobetalipoproteinemia, normotriglyceridemic; Acanthocytosis with hypobetalipoproteinemia. Identifiers: MedGen C4551990, MONDO:0014252, OMIM 615558.
Hypercholesterolemia, autosomal dominant, type B (FHCL2). Also called: Familial Hypercholesterolemia Type B; APOLIPOPROTEIN B-100, FAMILIAL DEFECTIVE; APOLIPOPROTEIN B-100, FAMILIAL LIGAND-DEFECTIVE; HYPERCHOLESTEROLEMIA, FAMILIAL, DUE TO LIGAND-DEFECTIVE APOLIPOPROTEIN B; Hyperlipoproteinemia Type IIb; Familial hypercholesterolemia 2. Identifiers: MedGen C1704417, MONDO:0007751, OMIM 144010.

Allele frequency attached by ClinVar (database versions not stated): gnomAD exomes below 0.00001.
gnomAD v4.1: 1 of 1,614,110 alleles (0.000062%); highest among the groups gnomAD compares: South Asian, 0.0011%; no homozygotes.

Submission:

Labcorp Genetics (formerly Invitae), Labcorp
Classification: Uncertain significance for Familial hypobetalipoproteinemia 1; Hypercholesterolemia, autosomal dominant, type B. Last evaluated: 2023-06-14. Review status: criteria provided, single submitter. Criteria: Invitae Variant Classification Sherloc (09022015). Collection method: clinical testing. Allele origin: germline.
Comment: This sequence change replaces glutamic acid, which is acidic and polar, with aspartic acid, which is acidic and polar, at codon 2531 of the APOB protein (p.Glu2531Asp). In summary, the available evidence is currently insufficient to determine the role of this variant in disease. Therefore, it has been classified as a Variant of Uncertain Significance. Advanced modeling of protein sequence and biophysical properties (such as structural, functional, and spatial information, amino acid conservation, physicochemical variation, residue mobility, and thermodynamic stability) performed at Invitae indicates that this missense variant is not expected to disrupt APOB protein function. This variant has not been reported in the literature in individuals affected with APOB-related conditions. This variant is not present in population databases (gnomAD no frequency).